The following is an entry in ClinVar:

NM_001244008.2(KIF1A):c.4713C>A (p.Ser1571Arg)

Gene: KIF1A (kinesin family member 1A; minus strand). Cytogenetic location: 2q37.3.
Variant type: single nucleotide variant.
Coding change: c.4713C>A on transcript NM_001244008.2 (MANE Select); coding-DNA position 4713, C replaced by A.
Protein change: p.Ser1571Arg; replaces serine 1571 with arginine.
Molecular consequence: missense variant.
Genome position (GRCh38, 1-based): chr2:240,721,837, G>T on the plus strand (C>A on the coding strand, the complement: KIF1A is on the minus strand). VCF-style: chr2-240721837-G-T. GRCh37 (hg19) VCF-style: chr2-241661254-G-T.
Other names: c.4437C>A, p.Ser1479Arg (NM_001320705.2, NM_001379649.1); c.4464C>A, p.Ser1488Arg (NM_001330289.2); c.4512C>A, p.Ser1504Arg (NM_001330290.2, NM_001379648.1); c.4788C>A, p.Ser1596Arg (NM_001379631.1); c.4689C>A, p.Ser1563Arg (NM_001379632.1); c.4686C>A, p.Ser1562Arg (NM_001379633.1, NM_001379645.1); c.4539C>A, p.Ser1513Arg (NM_001379634.1); c.4536C>A, p.Ser1512Arg (NM_001379635.1, NM_001379646.1); and 7 more; short protein forms S1479R, S1504R, S1470R, S1488R, S1571R, S1513R, S1478R, S1495R.
Identifiers: ClinVar variation 844022 (VCV000844022.10), dbSNP rs2045430456, ClinGen allele CA351303001.
Genomic context (GRCh38, chr2:240,721,837, plus strand): 5'-GGCAGCCTGGTGCAGCCCCTCTGCACCCACCTTGCTCTCGCTGGCACTGACGCAGACGTG[G>T]CTGTGTGTGTACTCTCTGTTGAATGTGTGCGTGAGCAGGCGCAAGCACTGTGGACAGAGC-3'
Protein context (NP_001230937.1, residues 1561-1581): THTFNREYTH[Ser1571Arg]HVCVSASESK

ClinVar aggregate classification (germline): Uncertain significance (1 of 4 stars; one submission).

Conditions:
Hereditary spastic paraplegia 30. Identifiers: Orphanet 101010, MedGen C5235139, MONDO:0012476.
Neuropathy, hereditary sensory, type 2C. Also called: Hereditary sensory and autonomic neuropathy type IIC; KIF1A-Related HSAN2 (HSAN2C). Identifiers: Orphanet 970, MedGen C3280168, MONDO:0013634, OMIM 614213.
Intellectual disability, autosomal dominant 9 (NESCAVS). Also called: NESCAV SYNDROME; KIF1A-Related Neurodevelopmental Disorder. Identifiers: Orphanet 662367, MedGen C5393830, MONDO:0013656, OMIM 614255.

Submission:

Labcorp Genetics (formerly Invitae), Labcorp
Classification: Uncertain significance for Hereditary spastic paraplegia 30; Neuropathy, hereditary sensory, type 2C; Intellectual disability, autosomal dominant 9. Last evaluated: 2019-12-08. Review status: criteria provided, single submitter. Criteria: Invitae Variant Classification Sherloc (09022015). Collection method: clinical testing. Allele origin: germline.
Comment: This variant is not present in population databases (ExAC no frequency). In summary, the available evidence is currently insufficient to determine the role of this variant in disease. Therefore, it has been classified as a Variant of Uncertain Significance. Algorithms developed to predict the effect of missense changes on protein structure and function are either unavailable or do not agree on the potential impact of this missense change (SIFT: "Deleterious"; PolyPhen-2: "Benign"; Align-GVGD: "Class C0"). This variant has not been reported in the literature in individuals with KIF1A-related conditions. This sequence change replaces serine with arginine at codon 1470 of the KIF1A protein (p.Ser1470Arg). The serine residue is moderately conserved and there is a moderate physicochemical difference between serine and arginine.